The following is an entry in ClinVar:

ClinVar aggregate classification (germline): Uncertain significance. Review status: criteria provided, multiple submitters, no conflicts (2 of 4 stars). 3 submissions from 3 submitters: Uncertain significance (3). Last evaluated 2025-07-02.

Conditions:
RECON progeroid syndrome (RECON). Identifiers: MedGen C5830504, MONDO:0957266, OMIM 620370.

Allele frequency attached by ClinVar (database versions not stated): gnomAD exomes below 0.00001; TOPMed below 0.00001; gnomAD 0.00001.
gnomAD v4.1: 3 of 1,599,082 alleles (0.00019%); highest among the groups gnomAD compares: Non-Finnish European, 0.00026%; no homozygotes.

Submissions (3):

Ambry Genetics
Classification: Uncertain significance. Last evaluated: 2025-07-02. Review status: criteria provided, single submitter. Criteria: Ambry Variant Classification Scheme 2023. Collection method: clinical testing. Allele origin: germline.
Comment: The p.N581D variant (also known as c.1741A>G), located in coding exon 13 of the RECQL gene, results from an A to G substitution at nucleotide position 1741. The asparagine at codon 581 is replaced by aspartic acid, an amino acid with highly similar properties. This amino acid position is not well conserved in available vertebrate species. In addition, this alteration is predicted to be tolerated by in silico analysis. Since supporting evidence is limited at this time, the clinical significance of this alteration remains unclear.

Fulgent Genetics
Classification: Uncertain significance for RECON progeroid syndrome. Last evaluated: 2024-04-11. Review status: criteria provided, single submitter. Criteria: ACMG Guidelines, 2015. Collection method: clinical testing. Allele origin: germline.

GeneDx
Classification: Uncertain significance. Last evaluated: 2019-09-03. Review status: criteria provided, single submitter. Criteria: GeneDx Variant Classification Process June 2021. Collection method: clinical testing. Allele origin: germline. Affected: yes.
Comment: Not observed at a significant frequency in large population cohorts (Lek 2016); In silico analysis, which includes protein predictors and evolutionary conservation, supports that this variant does not alter protein structure/function; Has not been previously published as pathogenic or benign to our knowledge

NM_002907.4(RECQL):c.1741A>G (p.Asn581Asp)

Genes: PYROXD1 (pyridine nucleotide-disulphide oxidoreductase domain 1; plus strand), RECQL (RecQ like helicase; minus strand). Cytogenetic location: 12p12.1.
Variant type: single nucleotide variant.
Coding change: c.1741A>G on transcript NM_002907.4 (MANE Select); coding-DNA position 1741, A replaced by G.
Protein change: p.Asn581Asp; replaces asparagine 581 with aspartic acid.
Molecular consequence: missense variant. On other transcripts: 3 prime UTR variant (3).
Genome position (GRCh38, 1-based): chr12:21,471,025, T>C on the plus strand (A>G on the coding strand, the complement: RECQL is on the minus strand). VCF-style: chr12-21471025-T-C. GRCh37 (hg19) VCF-style: chr12-21623959-T-C.
Other names: c.1741A>G, p.Asn581Asp (NM_032941.3); c.*2271T>C (NM_001350912.2, NM_001350913.2, NM_024854.5); short protein forms N581D.
Identifiers: ClinVar variation 1218186 (VCV001218186.8), dbSNP rs1400162004, ClinGen allele CA384114520.